The following is an entry in ClinVar:

ClinVar aggregate classification (germline): Uncertain significance (1 of 4 stars; one submission).

Conditions:
Hajdu-Cheney syndrome (HJCYS). Also called: Acroosteolysis dominant type; ACROOSTEOLYSIS WITH OSTEOPOROSIS AND CHANGES IN SKULL AND MANDIBLE; SERPENTINE FIBULA-POLYCYSTIC KIDNEY SYNDROME. Identifiers: Orphanet 955, MedGen C0917715, MONDO:0007057, OMIM 102500.

gnomAD v4.1: 1 of 1,614,066 alleles (0.000062%); highest among the groups gnomAD compares: Non-Finnish European, 0.000085%; no homozygotes.

Submission:

Labcorp Genetics (formerly Invitae), Labcorp
Classification: Uncertain significance for Hajdu-Cheney syndrome. Last evaluated: 2025-06-01. Review status: criteria provided, single submitter. Criteria: Invitae Variant Classification Sherloc (09022015). Collection method: clinical testing. Allele origin: germline.
Comment: This sequence change replaces glutamine, which is neutral and polar, with histidine, which is basic and polar, at codon 1401 of the NOTCH2 protein (p.Gln1401His). This variant is not present in population databases (gnomAD no frequency). This variant has not been reported in the literature in individuals affected with NOTCH2-related conditions. Invitae Evidence Modeling of protein sequence and biophysical properties (such as structural, functional, and spatial information, amino acid conservation, physicochemical variation, residue mobility, and thermodynamic stability) indicates that this missense variant is not expected to disrupt NOTCH2 protein function with a negative predictive value of 80%. In summary, the available evidence is currently insufficient to determine the role of this variant in disease. Therefore, it has been classified as a Variant of Uncertain Significance.

NM_024408.4(NOTCH2):c.4203G>C (p.Gln1401His)

Gene: NOTCH2 (notch receptor 2; minus strand). Cytogenetic location: 1p12.
Variant type: single nucleotide variant.
Coding change: c.4203G>C on transcript NM_024408.4 (MANE Select); coding-DNA position 4203, G replaced by C.
Protein change: p.Gln1401His; replaces glutamine 1401 with histidine.
Molecular consequence: missense variant.
Genome position (GRCh38, 1-based): chr1:119,925,613, C>G on the plus strand (G>C on the coding strand, the complement: NOTCH2 is on the minus strand). VCF-style: chr1-119925613-C-G. GRCh37 (hg19) VCF-style: chr1-120468236-C-G.
Other names: short protein forms Q1401H.
Identifiers: ClinVar variation 4741272 (VCV004741272.1).